The following is an entry in ClinVar:

NM_018139.3(DNAAF2):c.65G>A (p.Arg22Gln)

Gene: DNAAF2 (dynein axonemal assembly factor 2; minus strand). Cytogenetic location: 14q21.3.
Variant type: single nucleotide variant.
Coding change: c.65G>A on transcript NM_018139.3 (MANE Select); coding-DNA position 65, G replaced by A.
Protein change: p.Arg22Gln; replaces arginine 22 with glutamine.
Molecular consequence: missense variant.
Genome position (GRCh38, 1-based): chr14:49,635,085, C>T on the plus strand (G>A on the coding strand, the complement: DNAAF2 is on the minus strand). VCF-style: chr14-49635085-C-T. GRCh37 (hg19) VCF-style: chr14-50101803-C-T.
Other names: c.65G>A, p.Arg22Gln (NM_001083908.2); short protein forms R22Q.
Identifiers: ClinVar variation 1033890 (VCV001033890.6), dbSNP rs755978191, ClinGen allele CA389632783.

ClinVar aggregate classification (germline): Uncertain significance. Review status: criteria provided, multiple submitters, no conflicts (2 of 4 stars). 2 submissions from 2 submitters: Uncertain significance (2). Last evaluated 2024-02-24.

Conditions:
Primary ciliary dyskinesia 10. Also called: CILIARY DYSKINESIA, PRIMARY, 10, WITH OR WITHOUT SITUS INVERSUS. Identifiers: Orphanet 244, MedGen C2675867, MONDO:0012918, OMIM 612518.
Primary ciliary dyskinesia. Also called: Ciliary dyskinesia. Identifiers: Orphanet 244, MedGen C0008780, MONDO:0016575, HP:0012265.

Submissions (2):

Labcorp Genetics (formerly Invitae), Labcorp
Classification: Uncertain significance for Primary ciliary dyskinesia. Last evaluated: 2024-02-24. Review status: criteria provided, single submitter. Criteria: Invitae Variant Classification Sherloc (09022015). Collection method: clinical testing. Allele origin: germline.
Comment: This sequence change replaces arginine, which is basic and polar, with glutamine, which is neutral and polar, at codon 22 of the DNAAF2 protein (p.Arg22Gln). This variant is not present in population databases (gnomAD no frequency). This variant has not been reported in the literature in individuals affected with DNAAF2-related conditions. ClinVar contains an entry for this variant (Variation ID: 1033890). Advanced modeling of protein sequence and biophysical properties (such as structural, functional, and spatial information, amino acid conservation, physicochemical variation, residue mobility, and thermodynamic stability) performed at Invitae indicates that this missense variant is expected to disrupt DNAAF2 protein function with a positive predictive value of 80%. In summary, the available evidence is currently insufficient to determine the role of this variant in disease. Therefore, it has been classified as a Variant of Uncertain Significance.

Baylor Genetics
Classification: Uncertain significance for Primary ciliary dyskinesia 10. Last evaluated: 2018-01-03. Review status: criteria provided, single submitter. Criteria: ACMG Guidelines, 2015. Collection method: clinical testing. Allele origin: paternal. Affected: yes.
Comment: This variant was determined to be of uncertain significance according to ACMG Guidelines, 2015 [PMID:25741868].